The following is an entry in ClinVar:

ClinVar aggregate classification (germline): Uncertain significance. Review status: criteria provided, multiple submitters, no conflicts (2 of 4 stars). 3 submissions from 3 submitters: Uncertain significance (3). Last evaluated 2024-12-15.

Conditions:
Inborn genetic diseases. Identifiers: MedGen C0950123, MeSH D030342.

Allele frequency attached by ClinVar (database versions not stated): gnomAD exomes below 0.00001; gnomAD 0.00001; TOPMed 0.00001.
gnomAD v4.1: 7 of 1,614,056 alleles (0.00043%); highest among the groups gnomAD compares: African/African-American, 0.0013%; no homozygotes.

Submissions (3):

Labcorp Genetics (formerly Invitae), Labcorp
Classification: Uncertain significance. Last evaluated: 2024-12-15. Review status: criteria provided, single submitter. Criteria: Invitae Variant Classification Sherloc (09022015). Collection method: clinical testing. Allele origin: germline.
Comment: This sequence change replaces methionine, which is neutral and non-polar, with valine, which is neutral and non-polar, at codon 542 of the CNOT1 protein (p.Met542Val). This variant is not present in population databases (gnomAD no frequency). This variant has not been reported in the literature in individuals affected with CNOT1-related conditions. ClinVar contains an entry for this variant (Variation ID: 1704578). An algorithm developed to predict the effect of missense changes on protein structure and function (PolyPhen-2) suggests that this variant is likely to be disruptive. In summary, the available evidence is currently insufficient to determine the role of this variant in disease. Therefore, it has been classified as a Variant of Uncertain Significance.

Ambry Genetics
Classification: Uncertain significance for Inborn genetic diseases. Last evaluated: 2023-07-05. Review status: criteria provided, single submitter. Criteria: Ambry Variant Classification Scheme 2023. Collection method: clinical testing. Allele origin: germline.

Women's Health and Genetics/Laboratory Corporation of America, LabCorp
Classification: Uncertain significance. Last evaluated: 2022-07-15. Review status: criteria provided, single submitter. Criteria: LabCorp Variant Classification Summary - May 2015. Collection method: clinical testing. Allele origin: germline.
Comment: Variant summary: CNOT1 c.1624A>G (p.Met542Val) results in a conservative amino acid change located in the CCR4-NOT transcription complex subunit 1, HEAT repeat domain (IPR032194) of the encoded protein sequence. Three of five in-silico tools predict a damaging effect of the variant on protein function. The variant was absent in 251394 control chromosomes (gnomAD). The available data on variant occurrences in the general population are insufficient to allow any conclusion about variant significance. To our knowledge, no occurrence of c.1624A>G in individuals affected with Vissers-Bodmer Syndrome and no experimental evidence demonstrating its impact on protein function have been reported. No clinical diagnostic laboratories have submitted clinical-significance assessments for this variant to ClinVar after 2014. Based on the evidence outlined above, the variant was classified as uncertain significance.

NM_016284.5(CNOT1):c.1624A>G (p.Met542Val)

Gene: CNOT1 (CCR4-NOT transcription complex subunit 1; minus strand). Cytogenetic location: 16q21.
Variant type: single nucleotide variant.
Coding change: c.1624A>G on transcript NM_016284.5 (MANE Select); coding-DNA position 1624, A replaced by G.
Protein change: p.Met542Val; replaces methionine 542 with valine.
Molecular consequence: missense variant. On other transcripts: non-coding transcript variant (1).
Genome position (GRCh38, 1-based): chr16:58,576,543, T>C on the plus strand (A>G on the coding strand, the complement: CNOT1 is on the minus strand). VCF-style: chr16-58576543-T-C. GRCh37 (hg19) VCF-style: chr16-58610447-T-C.
Other names: c.1624A>G, p.Met542Val (NM_001265612.2, NM_206999.3); c.1624A>G (NM_016284.3); short protein forms M542V.
Identifiers: ClinVar variation 1704578 (VCV001704578.5), dbSNP rs1277027607, ClinGen allele CA396141857.